The following is an entry in ClinVar:

NM_005591.4(MRE11):c.1727G>C (p.Arg576Pro)

Gene: MRE11 (MRE11 double strand break repair nuclease; minus strand). Cytogenetic location: 11q21.
Variant type: single nucleotide variant.
Coding change: c.1727G>C on transcript NM_005591.4 (MANE Select); coding-DNA position 1727, G replaced by C.
Protein change: p.Arg576Pro; replaces arginine 576 with proline.
Molecular consequence: missense variant.
Genome position (GRCh38, 1-based): chr11:94,447,275, C>G on the plus strand (G>C on the coding strand, the complement: MRE11 is on the minus strand). VCF-style: chr11-94447275-C-G. GRCh37 (hg19) VCF-style: chr11-94180441-C-G.
Other names: c.1727G>C, p.Arg576Pro (NM_001330347.2, NM_005590.4); short protein forms R576P.
Identifiers: ClinVar variation 2565909 (VCV002565909.2), dbSNP rs139461096, ClinGen allele CA382368226.

ClinVar aggregate classification (germline): Uncertain significance (1 of 4 stars; one submission).

Conditions:
Hereditary cancer-predisposing syndrome. Also called: Neoplastic Syndromes, Hereditary; Hereditary Cancer Syndrome; Hereditary neoplastic syndrome; Tumor predisposition. Identifiers: Orphanet 140162, MedGen C0027672, MeSH D009386, MONDO:0015356.

Submission:

Ambry Genetics
Classification: Uncertain significance for Hereditary cancer-predisposing syndrome. Last evaluated: 2023-05-13. Review status: criteria provided, single submitter. Criteria: Ambry Variant Classification Scheme 2023. Collection method: clinical testing. Allele origin: germline.
Comment: The p.R576P variant (also known as c.1727G>C), located in coding exon 14 of the MRE11A gene, results from a G to C substitution at nucleotide position 1727. The arginine at codon 576 is replaced by proline, an amino acid with dissimilar properties. This amino acid position is conserved. In addition, this alteration is predicted to be tolerated by in silico analysis. Since supporting evidence is limited at this time, the clinical significance of this alteration remains unclear.